The following is an entry in ClinVar:

ClinVar aggregate classification (germline): Conflicting classifications of pathogenicity. Review status: criteria provided, conflicting classifications (1 of 4 stars). 3 submissions from 3 submitters: Pathogenic (1); Likely pathogenic (1); Uncertain significance (1). Last evaluated 2024-03-26.

Conditions:
Malignant hyperthermia, susceptibility to, 1 (MHS1). Also called: RYR1-Related Malignant Hyperthermia Susceptibility; Malignant hyperthermia suceptibility 1; Anesthesia related hyperthermia; Malignant hyperpyrexia; Fulminating hyperpyrexia; Pharmacogenic myopathy. Identifiers: Orphanet 423, MedGen C2930980, MONDO:0007783, OMIM 145600.
Congenital multicore myopathy with external ophthalmoplegia (CMYO1B). Also called: Congenital myopathy 1B, autosomal recessive; Minicore myopathy; MULTICORE MYOPATHY; Minicore myopathy with external ophthalmoplegia; MULTIMINICORE DISEASE WITH EXTERNAL OPHTHALMOPLEGIA. Identifiers: Orphanet 598, Orphanet 98905, MedGen C1850674, MONDO:0009712, OMIM 255320, HP:0003789.
Central core myopathy (CMYO1A). Also called: CONGENITAL MYOPATHY 1A, AUTOSOMAL DOMINANT, WITH SUSCEPTIBILITY TO MALIGNANT HYPERTHERMIA; Central core disease; Myopathy, central fibrillar. Identifiers: Orphanet 597, MedGen C5830701, MONDO:0007294, OMIM 117000.

gnomAD v4.1: 17 of 1,610,604 alleles (0.0011%); highest among the groups gnomAD compares: Non-Finnish European, 0.0014%; no homozygotes.

Submissions (3):

Genomic Medicine Center of Excellence, King Faisal Specialist Hospital and Research Centre
Classification: Pathogenic for Central core myopathy. Last evaluated: 2024-03-26. Review status: criteria provided, single submitter. Criteria: ACMG Guidelines, 2015. Collection method: clinical testing. Allele origin: germline.

All of Us Research Program, National Institutes of Health
Classification: Uncertain significance for Malignant hyperthermia, susceptibility to, 1. Last evaluated: 2023-06-26. Review status: criteria provided, single submitter. Criteria: ACMG Guidelines, 2015. Collection method: clinical testing. Allele origin: germline. Inheritance: Autosomal dominant inheritance. Observed: 1 variant allele, 1 heterozygote.
Comment: This study involves interpretation of variants in research participants for the purpose of population health screening. Participant phenotype was not available at the time of variant classification. Additional details can be found in publication PMID: 35346344, PMCID: PMC8962531

Baylor Genetics
Classification: Likely pathogenic for Congenital multicore myopathy with external ophthalmoplegia. Last evaluated: 2020-07-09. Review status: criteria provided, single submitter. Criteria: ACMG Guidelines, 2015. Collection method: clinical testing. Allele origin: unknown. Affected: yes.
Comment: This variant was determined to be likely pathogenic according to ACMG Guidelines, 2015 [PMID:25741868].

NM_000540.3(RYR1):c.8382C>G (p.Tyr2794Ter)

Genes: RYR1 (ryanodine receptor 1; plus strand), LOC126862902 (BRD4-independent group 4 enhancer GRCh37_chr19:38995830-38997029; plus strand). Cytogenetic location: 19q13.2.
Variant type: single nucleotide variant.
Coding change: c.8382C>G on transcript NM_000540.3 (MANE Select); coding-DNA position 8382, C replaced by G.
Protein change: p.Tyr2794Ter; replaces tyrosine 2794 with a stop codon.
Molecular consequence: nonsense.
Genome position (GRCh38, 1-based): chr19:38,505,380, C>G. VCF-style: chr19-38505380-C-G. GRCh37 (hg19) VCF-style: chr19-38996020-C-G.
Other names: c.8382C>G, p.Tyr2794Ter (NM_001042723.2); short protein forms Y2794*.
Identifiers: ClinVar variation 1030862 (VCV001030862.3), dbSNP rs146514343, ClinGen allele CA071914.